The following is an entry in ClinVar:

ClinVar aggregate classification (germline): Conflicting classifications of pathogenicity. Review status: criteria provided, conflicting classifications (1 of 4 stars). 10 submissions from 10 submitters: Uncertain significance (4); Likely benign (5). 1 of the submissions does not count toward it. Last evaluated 2026-01-20.

Conditions:
Inborn genetic diseases. Identifiers: MedGen C0950123, MeSH D030342.
Autism, susceptibility to, 15. Also called: Autism susceptibility 15. Identifiers: MedGen C2677504, MONDO:0012801, OMIM 612100.
Cortical dysplasia-focal epilepsy syndrome (PTHSL1). Also called: Pitt-Hopkins-like syndrome 1. Identifiers: Orphanet 163681, Orphanet 221150, MedGen C2750246, MONDO:0012400, OMIM 610042.
CNTNAP2-related disorder. Also called: CNTNAP2-related condition.

Allele frequency attached by ClinVar (database versions not stated): gnomAD exomes 0.00014 and 0.00039; ExAC 0.00051; 1000 Genomes Project 0.00100; 1000 Genomes Project 30x 0.00109; ESP Exome Variant Server 0.00123; gnomAD 0.00143 and 0.00151; TOPMed 0.00170.
gnomAD v4.1: 433 of 1,614,012 alleles (0.027%); highest among the groups gnomAD compares: African/African-American, 0.48%; no homozygotes.

Submissions (10):

Labcorp Genetics (formerly Invitae), Labcorp
Classification: Likely benign for Cortical dysplasia-focal epilepsy syndrome. Last evaluated: 2026-01-20. Review status: criteria provided, single submitter. Criteria: Invitae Variant Classification Sherloc (09022015). Collection method: clinical testing. Allele origin: germline.

Women's Health and Genetics/Laboratory Corporation of America, LabCorp
Classification: Likely benign. Last evaluated: 2025-12-29. Review status: criteria provided, single submitter. Criteria: LabCorp Variant Classification Summary - May 2015. Collection method: clinical testing. Allele origin: germline.
Comment: Variant summary: CNTNAP2 c.2123T>C (p.Val708Ala) results in a non-conservative amino acid change in the encoded protein sequence. Algorithms developed to predict the effect of missense changes on protein structure and function are either unavailable or do not agree on the potential impact of this missense change. The variant allele was found at a frequency of 0.00039 in 250820 control chromosomes, predominantly at a frequency of 0.0053 within the African or African-American subpopulation in the gnomAD database. The observed variant frequency within African or African-American control individuals in the gnomAD database exceeds the estimated maximal expected allele frequency for disease-causing variants in CNTNAP2. c.2123T>C has been observed in at least one individual affected with autism, without strong evidence of causality (example: Murdoch_2015). This report does not provide unequivocal conclusions about association of the variant with Autism, Susceptibility To, 15. To our knowledge, no experimental evidence demonstrating an impact on protein function has been reported. The following publication has been ascertained in the context of this evaluation (PMID: 25621974). ClinVar contains an entry for this variant (Variation ID: 205256). Based on the evidence outlined above, the variant was classified as likely benign.

Ambry Genetics
Classification: Likely benign for Inborn genetic diseases. Last evaluated: 2021-11-08. Review status: criteria provided, single submitter. Criteria: Ambry Variant Classification Scheme 2023. Collection method: clinical testing. Allele origin: germline.

Mayo Clinic Laboratories, Mayo Clinic
Classification: Uncertain significance. Last evaluated: 2021-07-27. Review status: criteria provided, single submitter. Criteria: ACMG Guidelines, 2015. Collection method: clinical testing. Allele origin: germline.

GeneDx
Classification: Likely benign. Last evaluated: 2020-09-17. Review status: criteria provided, single submitter. Criteria: GeneDx Variant Classification Process June 2021. Collection method: clinical testing. Allele origin: germline. Affected: yes.
Comment: Observed as a rare heterozygous missense variant in a population of individuals with autism spectrum disorder; however, the authors found no significant association with autism risk (Murdoch et al., 2015); This variant is associated with the following publications: (PMID: 25621974)

Fulgent Genetics
Classification: Uncertain significance for Cortical dysplasia-focal epilepsy syndrome; Autism, susceptibility to, 15. Last evaluated: 2017-05-23. Review status: criteria provided, single submitter. Criteria: ACMG Guidelines, 2015. Collection method: clinical testing. Allele origin: unknown.

Eurofins Ntd Llc (ga)
Classification: Likely benign. Last evaluated: 2015-11-02. Review status: criteria provided, single submitter. Criteria: EGL Classification Definitions 2015. Collection method: clinical testing. Allele origin: germline. Observed: 1 variant allele, 1 heterozygote.

Genetic Services Laboratory, University of Chicago
Classification: Uncertain significance. Last evaluated: 2014-10-08. Review status: criteria provided, single submitter. Criteria: ACMG Guidelines, 2015. Collection method: clinical testing. Allele origin: germline.

Center for Genomics, Ann and Robert H. Lurie Children's Hospital of Chicago
Classification: Uncertain significance for Cortical dysplasia-focal epilepsy syndrome; Autism, susceptibility to, 15. Review status: criteria provided, single submitter. Criteria: ACMG Guidelines, 2015. Collection method: clinical testing. Allele origin: germline.
Comment: CNTNAP2 NM_014141.5 exon 14 p.Val708Ala (c.2123T>C): This variant has not been reported in the literature but is present in 0.4% (200/41378) of African alleles in the Genome Aggregation Database. This variant is present in ClinVar (Variation ID:205256). Evolutionary conservation suggests that this variant may impact the protein; computational predictive tools for this variant are unclear. In summary, data on this variant is insufficient for disease classification. Therefore, the clinical significance of this variant is uncertain.

PreventionGenetics, part of Exact Sciences
Classification: Likely benign for CNTNAP2-related condition. Last evaluated: 2019-08-20. Review status: no assertion criteria provided. Collection method: clinical testing. Allele origin: germline. Not counted in ClinVar's aggregate classification.
Comment: This variant is classified as likely benign based on ACMG/AMP sequence variant interpretation guidelines (Richards et al. 2015 PMID: 25741868, with internal and published modifications).

Literature cited by the submitters: PubMed 25621974 (cited by Women's Health and Genetics/Laboratory Corporation of America, LabCorp).

NM_014141.6(CNTNAP2):c.2123T>C (p.Val708Ala)

Gene: CNTNAP2 (contactin associated protein 2; plus strand). Cytogenetic location: 7q35.
Variant type: single nucleotide variant.
Coding change: c.2123T>C on transcript NM_014141.6 (MANE Select); coding-DNA position 2123, T replaced by C.
Protein change: p.Val708Ala; replaces valine 708 with alanine.
Molecular consequence: missense variant.
Genome position (GRCh38, 1-based): chr7:147,903,589, T>C. VCF-style: chr7-147903589-T-C. GRCh37 (hg19) VCF-style: chr7-147600681-T-C.
Other names: p.V708A:GTT>GCT; p.Val708Ala; short protein forms V708A.
Identifiers: ClinVar variation 205256 (VCV000205256.38), dbSNP rs148453565, ClinGen allele CA314146.